The following is an entry in ClinVar:

NM_014425.5(INVS):c.2986A>G (p.Thr996Ala)

Gene: INVS (inversin; plus strand). Cytogenetic location: 9q31.1.
Variant type: single nucleotide variant.
Coding change: c.2986A>G on transcript NM_014425.5 (MANE Select); coding-DNA position 2986, A replaced by G.
Protein change: p.Thr996Ala; replaces threonine 996 with alanine.
Molecular consequence: missense variant. On other transcripts: non-coding transcript variant (1).
Genome position (GRCh38, 1-based): chr9:100,297,116, A>G. VCF-style: chr9-100297116-A-G. GRCh37 (hg19) VCF-style: chr9-103059398-A-G.
Other names: c.2698A>G, p.Thr900Ala (NM_001318381.2); c.2008A>G, p.Thr670Ala (NM_001318382.2); c.2986A>G (NM_014425.2); short protein forms T670A, T996A, T900A.
Identifiers: ClinVar variation 1896218 (VCV001896218.4), dbSNP rs762270563, ClinGen allele CA5158738.

ClinVar aggregate classification (germline): Uncertain significance. Review status: criteria provided, multiple submitters, no conflicts (2 of 4 stars). 2 submissions from 2 submitters: Uncertain significance (2). Last evaluated 2023-03-20.

Conditions:
Inborn genetic diseases. Identifiers: MedGen C0950123, MeSH D030342.
Nephronophthisis. Also called: Juvenile Nephronophthisis. Identifiers: Orphanet 655, MedGen C0687120, MONDO:0019005, HP:0000090.

Allele frequency attached by ClinVar (database versions not stated): gnomAD exomes 0.00001; ExAC 0.00003; gnomAD 0.00005; TOPMed 0.00009.
gnomAD v4.1: 20 of 1,613,998 alleles (0.0012%); highest among the groups gnomAD compares: African/African-American, 0.025%; no homozygotes.

Submissions (2):

Ambry Genetics
Classification: Uncertain significance for Inborn genetic diseases. Last evaluated: 2023-03-20. Review status: criteria provided, single submitter. Criteria: Ambry Variant Classification Scheme 2023. Collection method: clinical testing. Allele origin: germline.

Labcorp Genetics (formerly Invitae), Labcorp
Classification: Uncertain significance for Nephronophthisis. Last evaluated: 2022-10-17. Review status: criteria provided, single submitter. Criteria: Invitae Variant Classification Sherloc (09022015). Collection method: clinical testing. Allele origin: germline.
Comment: This sequence change replaces threonine, which is neutral and polar, with alanine, which is neutral and non-polar, at codon 996 of the INVS protein (p.Thr996Ala). This variant is present in population databases (rs762270563, gnomAD 0.03%). This variant has not been reported in the literature in individuals affected with INVS-related conditions. Algorithms developed to predict the effect of missense changes on protein structure and function output the following: SIFT: "Tolerated"; PolyPhen-2: "Benign"; Align-GVGD: "Class C0". The alanine amino acid residue is found in multiple mammalian species, which suggests that this missense change does not adversely affect protein function. In summary, the available evidence is currently insufficient to determine the role of this variant in disease. Therefore, it has been classified as a Variant of Uncertain Significance.